The following is an entry in ClinVar:

NM_001042492.3(NF1):c.3973del (p.Arg1325fs)

Gene: NF1 (neurofibromin 1; plus strand). Cytogenetic location: 17q11.2.
Variant type: Deletion.
Coding change: c.3973del on transcript NM_001042492.3 (MANE Select); coding-DNA position 3973, one base deleted (A; older notation c.3973delA).
Protein change: p.Arg1325fs; shifts the reading frame from arginine 1325.
Molecular consequence: frameshift variant.
Genome position (GRCh38, 1-based): chr17:31,236,020, A deleted. VCF-style (leftmost placement, unchanged base first): chr17-31236019-CA-C. GRCh37 (hg19) VCF-style: chr17-29563037-CA-C.
Other names: c.3973delA, p.Arg1325Glyfs (NM_000267.4); short protein forms R1325fs.
Identifiers: ClinVar variation 2811191 (VCV002811191.3), dbSNP rs2508265561, ClinGen allele CA2739267386.
Genomic context (GRCh38, chr17:31,236,019, plus strand): 5'-ATTACGAATTGTGATCACATCCTCTGATTGGCAACATGTTAGCTTTGAAGTGGATCCTAC[CA>C]GGTTTGTCATCTTTTCACATAGAACCGCTGTTTTTTGTTTTTTTTTTTTTGTTTGTTTGT-3'

ClinVar aggregate classification (germline): Pathogenic (1 of 4 stars; one submission).

Conditions:
Neurofibromatosis, type 1 (NF1). Also called: NEUROFIBROMATOSIS, TYPE I, SOMATIC; Peripheral type neurofibromatosis; VON RECKLINGHAUSEN DISEASE; Neurofibromatosis, type I. Identifiers: Orphanet 636, MedGen C0027831, MONDO:0018975, OMIM 162200. Disease mechanism: loss of function.

Submission:

Labcorp Genetics (formerly Invitae), Labcorp
Classification: Pathogenic for Neurofibromatosis, type 1. Last evaluated: 2024-04-10. Review status: criteria provided, single submitter. Criteria: Invitae Variant Classification Sherloc (09022015). Collection method: clinical testing. Allele origin: germline.
Comment: This sequence change creates a premature translational stop signal (p.Arg1325Glyfs*2) in the NF1 gene. It is expected to result in an absent or disrupted protein product. Loss-of-function variants in NF1 are known to be pathogenic (PMID: 10712197, 23913538). This variant is not present in population databases (gnomAD no frequency). This variant has not been reported in the literature in individuals affected with NF1-related conditions. Algorithms developed to predict the effect of sequence changes on RNA splicing suggest that this variant may disrupt the consensus splice site. For these reasons, this variant has been classified as Pathogenic.

Literature cited by the submitters: PubMed 10712197; PubMed 23913538.